The following is an entry in ClinVar:

NM_001039213.4(CEACAM16):c.770G>T (p.Cys257Phe)

Genes: CEACAM16-AS1 (CEACAM16, CEACAM19 and PVR antisense RNA 1; minus strand), CEACAM16 (CEA cell adhesion molecule 16, tectorial membrane component; plus strand). Cytogenetic location: 19q13.32.
Variant type: single nucleotide variant.
Coding change: c.770G>T on transcript NM_001039213.4 (MANE Select); coding-DNA position 770, G replaced by T.
Protein change: p.Cys257Phe; replaces cysteine 257 with phenylalanine.
Molecular consequence: missense variant.
Genome position (GRCh38, 1-based): chr19:44,705,698, G>T. VCF-style: chr19-44705698-G-T. GRCh37 (hg19) VCF-style: chr19-45208968-G-T.
Other names: c.770G>T (NM_001039213.2); short protein forms C257F.
Identifiers: ClinVar variation 3368874 (VCV003368874.2).
Genomic context (GRCh38, chr19:44,705,698, plus strand): 5'-GCTGCACCATCAAAGTTGACTTCAACACGTCCCTCACCCTGTGGTGCGTGTCCAGGTCCT[G>T]CCCAGAGCCCGAGTATGTGTGGACCTTCAACGGGCAGGCCCTAAAGAACGGCCAAGACCA-3'
Protein context (NP_001034302.2, residues 247-267): SLTLWCVSRS[Cys257Phe]PEPEYVWTFN

ClinVar aggregate classification (germline): Uncertain significance. Review status: criteria provided, multiple submitters, no conflicts (2 of 4 stars). 2 submissions from 2 submitters: Uncertain significance (2). Last evaluated 2025-10-07.

Conditions:
Inborn genetic diseases. Identifiers: MedGen C0950123, MeSH D030342.

gnomAD v4.1: 2 of 1,613,964 alleles (0.00012%); highest among the groups gnomAD compares: South Asian, 0.0022%; no homozygotes.

Submissions (2):

Ambry Genetics
Classification: Uncertain significance for Inborn genetic diseases. Last evaluated: 2025-10-07. Review status: criteria provided, single submitter. Criteria: Ambry Variant Classification Scheme 2023. Collection method: clinical testing. Allele origin: germline.

GeneDx
Classification: Uncertain significance. Last evaluated: 2024-02-09. Review status: criteria provided, single submitter. Criteria: GeneDx Variant Classification Process June 2021. Collection method: clinical testing. Allele origin: germline. Affected: yes.
Comment: Not observed at significant frequency in large population cohorts (gnomAD); In silico analysis supports that this missense variant does not alter protein structure/function; Has not been previously published as pathogenic or benign to our knowledge